The following is an entry in ClinVar:

NM_000179.3(MSH6):c.3191C>G (p.Ala1064Gly)

Gene: MSH6 (mutS homolog 6; plus strand). Cytogenetic location: 2p16.3.
Variant type: single nucleotide variant.
Coding change: c.3191C>G on transcript NM_000179.3 (MANE Select); coding-DNA position 3191, C replaced by G.
Protein change: p.Ala1064Gly; replaces alanine 1064 with glycine.
Molecular consequence: missense variant.
Genome position (GRCh38, 1-based): chr2:47,803,438, C>G. VCF-style: chr2-47803438-C-G. GRCh37 (hg19) VCF-style: chr2-48030577-C-G.
Other names: c.2801C>G, p.Ala934Gly (NM_001281492.2); c.2285C>G, p.Ala762Gly (NM_001281493.2, NM_001281494.2, NM_001406811.1 and 6 more transcripts); c.3287C>G, p.Ala1096Gly (NM_001406795.1, NM_001406802.1); c.3191C>G, p.Ala1064Gly (NM_001406796.1, NM_001406800.1, NM_001406808.1 and 1 more transcripts); c.2894C>G, p.Ala965Gly (NM_001406797.1, NM_001406801.1, NM_001406805.1 and 10 more transcripts); c.2666C>G, p.Ala889Gly (NM_001406799.1, NM_001406806.1, NM_001406807.1); c.2327C>G, p.Ala776Gly (NM_001406803.1); c.3113C>G, p.Ala1038Gly (NM_001406804.1); and 6 more; short protein forms A1066G, A1096G, A379G, A762G, A934G, A1008G, A1064G, A13G.
Identifiers: ClinVar variation 1728676 (VCV001728676.2), dbSNP rs369042519, ClinGen allele CA346757848.
Genomic context (GRCh38, chr2:47,803,438, plus strand): 5'-CCCCAAACGATGAAGCCTCACTTTTACCCTCTCTTTTAACAGATGTTTTACTGTGCCTGG[C>G]TAACTATAGTCGAGGGGGTGATGGTCCTATGTGTCGCCCAGTAATTCTGTTGCCGGAAGA-3'
Protein context (NP_000170.1, residues 1054-1074): IAVLDVLLCL[Ala1064Gly]NYSRGGDGPM

ClinVar aggregate classification (germline): Uncertain significance (1 of 4 stars; one submission).

Conditions:
Hereditary cancer-predisposing syndrome. Also called: Tumor predisposition; Neoplastic Syndromes, Hereditary; Hereditary Cancer Syndrome; Hereditary neoplastic syndrome. Identifiers: Orphanet 140162, MedGen C0027672, MeSH D009386, MONDO:0015356.

Submission:

Ambry Genetics
Classification: Uncertain significance for Hereditary cancer-predisposing syndrome. Last evaluated: 2022-03-16. Review status: criteria provided, single submitter. Criteria: Ambry Variant Classification Scheme 2023. Collection method: clinical testing. Allele origin: germline.
Comment: The p.A1064G variant (also known as c.3191C>G), located in coding exon 5 of the MSH6 gene, results from a C to G substitution at nucleotide position 3191. The alanine at codon 1064 is replaced by glycine, an amino acid with similar properties. This amino acid position is conserved. In addition, the in silico prediction for this alteration is inconclusive. Since supporting evidence is limited at this time, the clinical significance of this alteration remains unclear.